The following is an entry in ClinVar:

NM_000548.5(TSC2):c.3397+6C>T

Gene: TSC2 (TSC complex subunit 2; plus strand). Cytogenetic location: 16p13.3.
Variant type: single nucleotide variant.
Coding change: c.3397+6C>T on transcript NM_000548.5 (MANE Select); 6 bases into the intron after coding-DNA position 3397, C replaced by T.
Molecular consequence: intron variant.
Genome position (GRCh38, 1-based): chr16:2,079,675, C>T. VCF-style: chr16-2079675-C-T. GRCh37 (hg19) VCF-style: chr16-2129676-C-T.
Other names: c.1924+6C>T (NM_001406693.1, NM_001406690.1, NM_001406692.1 and 1 more transcripts); c.3358+6C>T (NM_001406667.1); c.2797+6C>T (NM_001406680.1, NM_001406683.1, NM_001406682.1); c.3355+6C>T (NM_001406668.1); c.2665+6C>T (NM_001406687.1, NM_001318831.2, NM_001406688.1); c.2053+6C>T (NM_001406689.1); c.1921+6C>T (NM_001406691.1, NM_001406697.1, NM_001406695.1 and 1 more transcripts); c.1663+6C>T (NM_001406698.1); and 18 more.
Identifiers: ClinVar variation 4071145 (VCV004071145.1).
Genomic context (GRCh38, chr16:2,079,675, plus strand): 5'-CAGGCTGGGCAGCAGGTGTCCCGTGGGGCCCGGGATCGGGTCCGTTCCATGTCGGGTGAG[C>T]CTTGGCCCCAGCCACCTCCACACAGGCACCGGGGCTCCCTCAGTTGCTGCTGGTCCCAGT-3'

ClinVar aggregate classification (germline): Likely benign (1 of 4 stars; one submission).

Conditions:
Tuberous sclerosis 2 (TSC2). Identifiers: Orphanet 805, MedGen C1860707, MONDO:0013199, OMIM 613254.

Submission:

Myriad Genetics, Inc.
Classification: Likely benign for Tuberous sclerosis 2. Last evaluated: 2025-05-29. Review status: criteria provided, single submitter. Criteria: Myriad Autosomal Dominant, Autosomal Recessive and X-Linked Classification Criteria (2023). Collection method: clinical testing. Allele origin: unknown.
Comment: This variant is considered likely benign. This variant is intronic and is not expected to impact mRNA splicing.